The following is an entry in ClinVar:

ClinVar aggregate classification (germline): Uncertain significance (1 of 4 stars; one submission).

Conditions:
Combined immunodeficiency due to STIM1 deficiency. Also called: STIM1 DEFICIENCY; IMMUNODEFICIENCY 10. Identifiers: Orphanet 169090, Orphanet 317430, MedGen C2748557, MONDO:0013008, OMIM 612783.
Myopathy with tubular aggregates (TAM). Also called: Tubular Aggregate Myopathy. Identifiers: Orphanet 2593, MedGen C0410207, MONDO:0008051.
Stormorken syndrome (STRMK). Also called: THROMBOCYTOPATHY, ASPLENIA, AND MIOSIS. Identifiers: Orphanet 3204, MedGen C1861451, MONDO:0008497, OMIM 185070.

Submission:

Labcorp Genetics (formerly Invitae), Labcorp
Classification: Uncertain significance for Myopathy with tubular aggregates; Combined immunodeficiency due to STIM1 deficiency; Stormorken syndrome. Last evaluated: 2025-10-03. Review status: criteria provided, single submitter. Criteria: Invitae Variant Classification Sherloc (09022015). Collection method: clinical testing. Allele origin: germline.
Comment: This sequence change replaces proline, which is neutral and non-polar, with arginine, which is basic and polar, at codon 619 of the STIM1 protein (p.Pro619Arg). This variant is not present in population databases (gnomAD no frequency). This variant has not been reported in the literature in individuals affected with STIM1-related conditions. Invitae Evidence Modeling of protein sequence and biophysical properties (such as structural, functional, and spatial information, amino acid conservation, physicochemical variation, residue mobility, and thermodynamic stability) has been performed for this missense variant. However, the output from this modeling did not meet the statistical confidence thresholds required to predict the impact of this variant on STIM1 protein function. In summary, the available evidence is currently insufficient to determine the role of this variant in disease. Therefore, it has been classified as a Variant of Uncertain Significance.

NM_001382567.1(STIM1):c.1949C>G (p.Pro650Arg)

Genes: STIM1 (stromal interaction molecule 1; plus strand), LOC124418421 (Sharpr-MPRA regulatory region 9588; plus strand). Cytogenetic location: 11p15.4.
Variant type: single nucleotide variant.
Coding change: c.1949C>G on transcript NM_001382567.1 (MANE Select); coding-DNA position 1949, C replaced by G.
Protein change: p.Pro650Arg; replaces proline 650 with arginine.
Molecular consequence: missense variant. On other transcripts: 3 prime UTR variant (4), non-coding transcript variant (3).
Genome position (GRCh38, 1-based): chr11:4,091,596, C>G. VCF-style: chr11-4091596-C-G. GRCh37 (hg19) VCF-style: chr11-4112826-C-G.
Other names: c.2174C>G, p.Pro725Arg (NM_001277961.3); c.*270C>G (NM_001277962.2, NM_001382578.1, NM_001382579.1 and 1 more transcripts); c.1952C>G, p.Pro651Arg (NM_001382566.1); c.1877C>G, p.Pro626Arg (NM_001382568.1); c.1721C>G, p.Pro574Arg (NM_001382569.1); c.1628C>G, p.Pro543Arg (NM_001382570.1); c.1376C>G, p.Pro459Arg (NM_001382571.1); c.1634C>G, p.Pro545Arg (NM_001382575.1, NM_001382576.1, NM_001382577.1); and 2 more; short protein forms P574R, P619R, P626R, P651R, P459R, P543R, P456R, P650R.
Identifiers: ClinVar variation 4791773 (VCV004791773.1).